The following is an entry in ClinVar:

NM_052947.4(ALPK2):c.3752C>G (p.Pro1251Arg)

Genes: ALPK2 (alpha kinase 2; minus strand), LOC126862764 (BRD4-independent group 4 enhancer GRCh37_chr18:56202574-56203773; plus strand). Cytogenetic location: 18q21.31.
Variant type: single nucleotide variant.
Coding change: c.3752C>G on transcript NM_052947.4 (MANE Select); coding-DNA position 3752, C replaced by G.
Protein change: p.Pro1251Arg; replaces proline 1251 with arginine.
Molecular consequence: missense variant.
Genome position (GRCh38, 1-based): chr18:58,536,435, G>C on the plus strand (C>G on the coding strand, the complement: ALPK2 is on the minus strand). VCF-style: chr18-58536435-G-C. GRCh37 (hg19) VCF-style: chr18-56203667-G-C.
Other names: short protein forms P1251R.
Identifiers: ClinVar variation 1734575 (VCV001734575.3), dbSNP rs2518876019, ClinGen allele CA402565773.

ClinVar aggregate classification (germline): Uncertain significance (1 of 4 stars; one submission).

gnomAD v4.1: 1 of 1,614,112 alleles (0.000062%); highest among the groups gnomAD compares: Non-Finnish European, 0.000085%; no homozygotes.

Submission:

Ambry Genetics
Classification: Uncertain significance. Last evaluated: 2024-09-12. Review status: criteria provided, single submitter. Criteria: Ambry Variant Classification Scheme 2023. Collection method: clinical testing. Allele origin: germline.
Comment: The p.P1251R variant (also known as c.3752C>G), located in coding exon 4 of the ALPK2 gene, results from a C to G substitution at nucleotide position 3752. The proline at codon 1251 is replaced by arginine, an amino acid with dissimilar properties. This amino acid position is conserved. In addition, this alteration is predicted to be tolerated by in silico analysis. Since supporting evidence is limited at this time, the clinical significance of this alteration remains unclear.